The following is an entry in ClinVar:

ClinVar aggregate classification (germline): Uncertain significance (1 of 4 stars; one submission).

Conditions:
Hereditary cancer-predisposing syndrome. Also called: Neoplastic Syndromes, Hereditary; Tumor predisposition; Hereditary Cancer Syndrome; Hereditary neoplastic syndrome. Identifiers: Orphanet 140162, MedGen C0027672, MeSH D009386, MONDO:0015356.

Submission:

Ambry Genetics
Classification: Uncertain significance for Hereditary cancer-predisposing syndrome. Last evaluated: 2022-01-27. Review status: criteria provided, single submitter. Criteria: Ambry Variant Classification Scheme 2023. Collection method: clinical testing. Allele origin: germline.
Comment: The p.D251E variant (also known as c.753T>G), located in coding exon 2 of the BLM gene, results from a T to G substitution at nucleotide position 753. The aspartic acid at codon 251 is replaced by glutamic acid, an amino acid with highly similar properties. This amino acid position is conserved. In addition, this alteration is predicted to be tolerated by in silico analysis. Since supporting evidence is limited at this time, the clinical significance of this alteration remains unclear.

NM_000057.4(BLM):c.753T>G (p.Asp251Glu)

Gene: BLM (BLM RecQ like helicase; plus strand). Cytogenetic location: 15q26.1.
Variant type: single nucleotide variant.
Coding change: c.753T>G on transcript NM_000057.4 (MANE Select); coding-DNA position 753, T replaced by G.
Protein change: p.Asp251Glu; replaces aspartic acid 251 with glutamic acid.
Molecular consequence: missense variant. On other transcripts: 5 prime UTR variant (1).
Genome position (GRCh38, 1-based): chr15:90,750,021, T>G. VCF-style: chr15-90750021-T-G. GRCh37 (hg19) VCF-style: chr15-91293251-T-G.
Other names: c.753T>G, p.Asp251Glu (NM_001287246.2, NM_001287247.2); c.-539T>G (NM_001287248.2); short protein forms D251E.
Identifiers: ClinVar variation 1759446 (VCV001759446.2), dbSNP rs2505394868, ClinGen allele CA393841485.